The following is an entry in ClinVar:

ClinVar aggregate classification (germline): Pathogenic (1 of 4 stars; one submission).

Conditions:
Inborn genetic diseases. Identifiers: MedGen C0950123, MeSH D030342.

Submission:

Ambry Genetics
Classification: Pathogenic for Inborn genetic diseases. Last evaluated: 2023-10-16. Review status: criteria provided, single submitter. Criteria: Ambry Variant Classification Scheme 2023. Collection method: clinical testing. Allele origin: germline.
Comment: The c.3448C>T (p.Q1150*) alteration, located in exon 18 (coding exon 17) of the SCN8A gene, consists of a C to T substitution at nucleotide position 3448. This changes the amino acid from a glutamine (Q) to a stop codon at amino acid position 1150. This alteration is expected to result in loss of function by premature protein truncation or nonsense-mediated mRNA decay. for SCN8A-related neurodevelopmental disorder; however, its clinical significance for SCN8A-related seizure disorder is uncertain. This variant was not reported in population-based cohorts in the Genome Aggregation Database (gnomAD). Based on the available evidence, this alteration is classified as pathogenic.

NM_001330260.2(SCN8A):c.3448C>T (p.Gln1150Ter)

Gene: SCN8A (sodium voltage-gated channel alpha subunit 8; plus strand). Cytogenetic location: 12q13.13.
Variant type: single nucleotide variant.
Coding change: c.3448C>T on transcript NM_001330260.2 (MANE Select); coding-DNA position 3448, C replaced by T.
Protein change: p.Gln1150Ter; replaces glutamine 1150 with a stop codon.
Molecular consequence: nonsense.
Genome position (GRCh38, 1-based): chr12:51,769,943, C>T. VCF-style: chr12-51769943-C-T. GRCh37 (hg19) VCF-style: chr12-52163727-C-T.
Other names: c.3448C>T, p.Gln1150Ter (NM_001177984.3, NM_001369788.1, NM_014191.4); short protein forms Q1150*.
Identifiers: ClinVar variation 522036 (VCV000522036.4), dbSNP rs1555226280, ClinGen allele CA384895478.
Genomic context (GRCh38, chr12:51,769,943, plus strand): 5'-AGCTCCTCTGAAGGAAGCACCATTGATATCAAACCAGAAGTAGAAGAGGTCCCTGTGGAA[C>T]AGCCTGAGGAATACTTGGATCCAGATGCCTGCTTCACAGAAGGTGAAAGGGGATGAGGAG-3'